The following is an entry in ClinVar:

NM_001256789.3(CACNA1F):c.811G>A (p.Gly271Arg)

Gene: CACNA1F (calcium voltage-gated channel subunit alpha1 F; minus strand). Cytogenetic location: Xp11.23.
Variant type: single nucleotide variant.
Coding change: c.811G>A on transcript NM_001256789.3 (MANE Select); coding-DNA position 811, G replaced by A.
Protein change: p.Gly271Arg; replaces glycine 271 with arginine.
Molecular consequence: missense variant.
Genome position (GRCh38, 1-based): chrX:49,230,226, C>T on the plus strand (G>A on the coding strand, the complement: CACNA1F is on the minus strand). VCF-style: chrX-49230226-C-T. GRCh37 (hg19) VCF-style: chrX-49086688-C-T.
Other names: c.616G>A, p.Gly206Arg (NM_001256790.3); c.811G>A, p.Gly271Arg (NM_005183.4); short protein forms G271R, G206R.
Identifiers: ClinVar variation 756137 (VCV000756137.17), dbSNP rs185809548, ClinGen allele CA10411023.

ClinVar aggregate classification (germline): Likely benign. Review status: criteria provided, multiple submitters, no conflicts (2 of 4 stars). 5 submissions from 5 submitters: Likely benign (2). 3 of the submissions do not count toward it. Last evaluated 2026-01-19.

Conditions:
CACNA1F-related disorder. Also called: CACNA1F-related condition.

Allele frequency attached by ClinVar (database versions not stated): ESP Exome Variant Server 0.00028; gnomAD exomes 0.00053 and 0.00065; gnomAD 0.00063 and 0.00065; ExAC 0.00068; 1000 Genomes Project 0.00079; TOPMed 0.00079; 1000 Genomes Project 30x 0.00104.
gnomAD v4.1: 780 of 1,201,132 alleles (0.065%); highest among the groups gnomAD compares: Admixed American, 0.086%; no homozygotes.

Submissions (5):

Labcorp Genetics (formerly Invitae), Labcorp
Classification: Likely benign. Last evaluated: 2026-01-19. Review status: criteria provided, single submitter. Criteria: Invitae Variant Classification Sherloc (09022015). Collection method: clinical testing. Allele origin: germline.

Blueprint Genetics
Classification: Likely benign. Last evaluated: 2024-10-22. Review status: criteria provided, single submitter. Criteria: ACMG Guidelines, 2015. Collection method: clinical testing. Allele origin: germline.

PreventionGenetics, part of Exact Sciences
Classification: Likely benign for CACNA1F-related condition. Last evaluated: 2020-08-03. Review status: no assertion criteria provided. Collection method: clinical testing. Allele origin: germline. Not counted in ClinVar's aggregate classification.
Comment: This variant is classified as likely benign based on ACMG/AMP sequence variant interpretation guidelines (Richards et al. 2015 PMID: 25741868, with internal and published modifications).

Clinical Genetics DNA and cytogenetics Diagnostics Lab, Erasmus MC, Erasmus Medical Center
Classification: Likely benign. Review status: no assertion criteria provided. Collection method: clinical testing. Allele origin: germline. Affected: yes. Study: VKGL Data-share Consensus. Not counted in ClinVar's aggregate classification.

Clinical Genetics, Academic Medical Center
Classification: Likely benign. Review status: no assertion criteria provided. Collection method: clinical testing. Allele origin: germline. Affected: yes. Study: VKGL Data-share Consensus. Not counted in ClinVar's aggregate classification.